The following is an entry in ClinVar:

ClinVar aggregate classification (germline): Uncertain significance (1 of 4 stars; one submission).

Conditions:
Inborn genetic diseases. Identifiers: MedGen C0950123, MeSH D030342.

Allele frequency attached by ClinVar (database versions not stated): gnomAD 0.00001; TOPMed 0.00001; ExAC 0.00002; gnomAD exomes 0.00002.
gnomAD v4.1: 27 of 1,609,146 alleles (0.0017%); highest among the groups gnomAD compares: Non-Finnish European, 0.002%; no homozygotes.

Submission:

Ambry Genetics
Classification: Uncertain significance for Inborn genetic diseases. Last evaluated: 2022-11-14. Review status: criteria provided, single submitter. Criteria: Ambry Variant Classification Scheme 2023. Collection method: clinical testing. Allele origin: germline.
Comment: The c.469-3C>T intronic alteration consists of a C to T substitution 3 nucleotides before coding exon 6 in the PIGS gene. Based on insufficient or conflicting evidence, the clinical significance of this alteration remains unclear.

NM_033198.4(PIGS):c.469-3C>T

Gene: PIGS (phosphatidylinositol glycan anchor biosynthesis class S; minus strand). Cytogenetic location: 17q11.2.
Variant type: single nucleotide variant.
Coding change: c.469-3C>T on transcript NM_033198.4 (MANE Select); 3 bases into the intron before coding-DNA position 469, C replaced by T.
Molecular consequence: intron variant.
Genome position (GRCh38, 1-based): chr17:28,561,632, G>A on the plus strand (C>T on the coding strand, the complement: PIGS is on the minus strand). VCF-style: chr17-28561632-G-A. GRCh37 (hg19) VCF-style: chr17-26888650-G-A.
Identifiers: ClinVar variation 2229659 (VCV002229659.2), dbSNP rs758306747, ClinGen allele CA8460268.